The following is an entry in ClinVar:

NM_001330588.2(TPP2):c.3144-50G>C

Gene: TPP2 (tripeptidyl peptidase 2; plus strand). Cytogenetic location: 13q33.1.
Variant type: single nucleotide variant.
Coding change: c.3144-50G>C on transcript NM_001330588.2 (MANE Select); 50 bases into the intron before coding-DNA position 3144, G replaced by C.
Molecular consequence: intron variant.
Genome position (GRCh38, 1-based): chr13:102,663,598, G>C. VCF-style: chr13-102663598-G-C. GRCh37 (hg19) VCF-style: chr13-103315948-G-C.
Other names: c.3105-50G>C (NM_001367947.1, NM_003291.4).
Identifiers: ClinVar variation 2628162 (VCV002628162.2), dbSNP rs9585959, ClinGen allele CA7038196.

ClinVar aggregate classification (germline): Benign (1 of 4 stars; one submission).

Allele frequency attached by ClinVar (database versions not stated): ExAC 0.49121; 1000 Genomes Project 0.50699; 1000 Genomes Project 30x 0.50843; gnomAD 0.53975; TOPMed 0.54028; ESP Exome Variant Server 0.56678.
gnomAD v4.1: 692,781 of 1,308,116 alleles (53%); highest among the groups gnomAD compares: African/African-American, 62%; 184,847 homozygotes.

Submission:

Unidad de Genómica Garrahan, Hospital de Pediatría Garrahan
Classification: Benign. Last evaluated: 2023-11-12. Review status: criteria provided, single submitter. Criteria: ACMG Guidelines, 2015. Collection method: clinical testing. Allele origin: germline. Affected: no. Observed: 52 variant alleles.
Comment: This variant is classified as Benign based on local population frequency. This variant was detected in 54% of patients studied by a panel of primary immunodeficiencies. Number of patients: 52. Only high quality variants are reported.